The following is an entry in ClinVar:

ClinVar aggregate classification (germline): Uncertain significance. Review status: criteria provided, multiple submitters, no conflicts (2 of 4 stars). 2 submissions from 2 submitters: Uncertain significance (2). Last evaluated 2026-02-14.

Conditions:
Inborn genetic diseases. Identifiers: MedGen C0950123, MeSH D030342.
Brachyolmia-amelogenesis imperfecta syndrome. Also called: PLATYSPONDYLY WITH AMELOGENESIS IMPERFECTA; Tooth agenesis, selective, 6; Dental anomalies and short stature. Identifiers: Orphanet 2899, MedGen C1832594, MONDO:0011018, OMIM 601216. Disease mechanism: loss of function.

Allele frequency attached by ClinVar (database versions not stated): gnomAD exomes below 0.00001; TOPMed 0.00001.
gnomAD v4.1: 3 of 1,545,340 alleles (0.00019%); highest among the groups gnomAD compares: South Asian, 0.0024%; no homozygotes.

Submissions (2):

Ambry Genetics
Classification: Uncertain significance for Inborn genetic diseases. Last evaluated: 2026-02-14. Review status: criteria provided, single submitter. Criteria: Ambry Variant Classification Scheme 2023. Collection method: clinical testing. Allele origin: germline.
Comment: The p.R1165H variant (also known as c.3494G>A), located in coding exon 25 of the LTBP3 gene, results from a G to A substitution at nucleotide position 3494. The arginine at codon 1165 is replaced by histidine, an amino acid with highly similar properties. This amino acid position is conserved. In addition, the in silico prediction for this alteration is inconclusive. Based on the available evidence, the clinical significance of this variant remains unclear.

Labcorp Genetics (formerly Invitae), Labcorp
Classification: Uncertain significance for Brachyolmia-amelogenesis imperfecta syndrome. Last evaluated: 2023-10-15. Review status: criteria provided, single submitter. Criteria: Invitae Variant Classification Sherloc (09022015). Collection method: clinical testing. Allele origin: germline.
Comment: This sequence change replaces arginine, which is basic and polar, with histidine, which is basic and polar, at codon 1165 of the LTBP3 protein (p.Arg1165His). This variant is not present in population databases (gnomAD no frequency). This variant has not been reported in the literature in individuals affected with LTBP3-related conditions. An algorithm developed to predict the effect of missense changes on protein structure and function (PolyPhen-2) suggests that this variant is likely to be disruptive. In summary, the available evidence is currently insufficient to determine the role of this variant in disease. Therefore, it has been classified as a Variant of Uncertain Significance.

NM_001130144.3(LTBP3):c.3494G>A (p.Arg1165His)

Gene: LTBP3 (latent transforming growth factor beta binding protein 3; minus strand). Cytogenetic location: 11q13.1.
Variant type: single nucleotide variant.
Coding change: c.3494G>A on transcript NM_001130144.3 (MANE Select); coding-DNA position 3494, G replaced by A.
Protein change: p.Arg1165His; replaces arginine 1165 with histidine.
Molecular consequence: missense variant.
Genome position (GRCh38, 1-based): chr11:65,539,773, C>T on the plus strand (G>A on the coding strand, the complement: LTBP3 is on the minus strand). VCF-style: chr11-65539773-C-T. GRCh37 (hg19) VCF-style: chr11-65307244-C-T.
Other names: c.3002G>A, p.Arg1001His (NM_001164266.1); c.3353G>A, p.Arg1118His (NM_021070.4); c.3494G>A (NM_001130144.2); short protein forms R1001H, R1118H, R1165H.
Identifiers: ClinVar variation 2888752 (VCV002888752.4), dbSNP rs1449867185, ClinGen allele CA381266758.